The following is an entry in ClinVar:

ClinVar aggregate classification (germline): Likely benign (0 of 4 stars; one submission).

Conditions:
ZFHX3-related disorder. Also called: ZFHX3-related condition.

Allele frequency attached by ClinVar (database versions not stated): ExAC 0.00003; TOPMed 0.00004; ESP Exome Variant Server 0.00015.
gnomAD v4.1: 160 of 1,609,854 alleles (0.0099%); highest among the groups gnomAD compares: Middle Eastern, 0.016%; no homozygotes.

Submission:

PreventionGenetics, part of Exact Sciences
Classification: Likely benign for ZFHX3-related condition. Last evaluated: 2019-05-10. Review status: no assertion criteria provided. Collection method: clinical testing. Allele origin: germline.
Comment: This variant is classified as likely benign based on ACMG/AMP sequence variant interpretation guidelines (Richards et al. 2015 PMID: 25741868, with internal and published modifications).

NM_006885.4(ZFHX3):c.390C>T (p.Ala130=)

Gene: ZFHX3 (zinc finger homeobox 3; minus strand). Cytogenetic location: 16q22.3.
Variant type: single nucleotide variant.
Coding change: c.390C>T on transcript NM_006885.4 (MANE Select); coding-DNA position 390, C replaced by T.
Protein change: p.Ala130=; no amino-acid change (alanine 130 retained).
Molecular consequence: synonymous variant. On other transcripts: intron variant (1).
Genome position (GRCh38, 1-based): chr16:72,959,756, G>A on the plus strand (C>T on the coding strand, the complement: ZFHX3 is on the minus strand). VCF-style: chr16-72959756-G-A. GRCh37 (hg19) VCF-style: chr16-72993655-G-A.
Other names: c.390C>T, p.Ala130= (NM_001386735.1); c.-23-8791C>T (NM_001164766.2).
Identifiers: ClinVar variation 3042370 (VCV003042370.2), dbSNP rs144573608, ClinGen allele CA8165005.
Genomic context (GRCh38, chr16:72,959,756, plus strand): 5'-CAGCTGGCTCAGGCTCTCCACAATGTACGCGGAGCCGTCCGGCTGGTAGACGATCTCCCC[G>A]GCCAGGTTCTCCACGTCACTCTCCTCGTCCCCCTCCTCACCGGTGTCGCTGGCGCTCTCC-3'
Protein context (NP_008816.3, residues 120-140): GDEESDVENL[Ala130=]GEIVYQPDGS